The following is an entry in ClinVar:

ClinVar aggregate classification (germline): Likely benign. Review status: criteria provided, multiple submitters, no conflicts (2 of 4 stars). 2 submissions from 2 submitters: Likely benign (2). Last evaluated 2026-02-02.

Conditions:
Ehlers-Danlos syndrome, classic type, 1 (EDSCL1). Also called: Ehlers-Danlos Syndrome, Classic Type, COL5A1-Related; EDS I; Ehlers-Danlos syndrome, type 1; EHLERS-DANLOS SYNDROME, GRAVIS TYPE; EHLERS-DANLOS SYNDROME, SEVERE CLASSIC TYPE. Identifiers: MedGen C0268335, MONDO:0019567, OMIM 130000.

Allele frequency attached by ClinVar (database versions not stated): TOPMed 0.00001; gnomAD 0.00001.
gnomAD v4.1: 12 of 1,614,102 alleles (0.00074%); highest among the groups gnomAD compares: East Asian, 0.0022%; no homozygotes.

Submissions (2):

Labcorp Genetics (formerly Invitae), Labcorp
Classification: Likely benign for Ehlers-Danlos syndrome, classic type, 1. Last evaluated: 2026-02-02. Review status: criteria provided, single submitter. Criteria: Invitae Variant Classification Sherloc (09022015). Collection method: clinical testing. Allele origin: germline.

GeneDx
Classification: Likely benign. Last evaluated: 2017-09-22. Review status: criteria provided, single submitter. Criteria: GeneDx Variant Classification (06012015). Collection method: clinical testing. Allele origin: germline. Affected: yes.
Comment: This variant is considered likely benign or benign based on one or more of the following criteria: it is a conservative change, it occurs at a poorly conserved position in the protein, it is predicted to be benign by multiple in silico algorithms, and/or has population frequency not consistent with disease.

NM_000093.5(COL5A1):c.1044G>A (p.Thr348=)

Gene: COL5A1 (collagen type V alpha 1 chain; plus strand). Cytogenetic location: 9q34.3.
Variant type: single nucleotide variant.
Coding change: c.1044G>A on transcript NM_000093.5 (MANE Select); coding-DNA position 1044, G replaced by A.
Protein change: p.Thr348=; no amino-acid change (threonine 348 retained).
Molecular consequence: synonymous variant.
Genome position (GRCh38, 1-based): chr9:134,730,355, G>A. VCF-style: chr9-134730355-G-A. GRCh37 (hg19) VCF-style: chr9-137622201-G-A.
Other names: c.1044G>A, p.Thr348= (NM_001278074.1).
Identifiers: ClinVar variation 512246 (VCV000512246.9), dbSNP rs1246095864, ClinGen allele CA467816240.